The following is an entry in ClinVar:

NM_001378457.1(DMXL2):c.4247G>A (p.Gly1416Asp)

Gene: DMXL2 (Dmx like 2; minus strand). Cytogenetic location: 15q21.2.
Variant type: single nucleotide variant.
Coding change: c.4247G>A on transcript NM_001378457.1 (MANE Select); coding-DNA position 4247, G replaced by A.
Protein change: p.Gly1416Asp; replaces glycine 1416 with aspartic acid.
Molecular consequence: missense variant. On other transcripts: non-coding transcript variant (2), intron variant (2).
Genome position (GRCh38, 1-based): chr15:51,498,977, C>T on the plus strand (G>A on the coding strand, the complement: DMXL2 is on the minus strand). VCF-style: chr15-51498977-C-T. GRCh37 (hg19) VCF-style: chr15-51791174-C-T.
Other names: c.4247G>A (NM_001174116.1); c.4247G>A, p.Gly1416Asp (NM_001174116.3, NM_001378458.1, NM_001378459.1 and 4 more transcripts); c.4007G>A, p.Gly1336Asp (NM_001378464.1); c.2765-7230G>A (NM_001378460.1); c.2765-3843G>A (NM_001174117.3); short protein forms G1336D, G1416D.
Identifiers: ClinVar variation 2150661 (VCV002150661.5), dbSNP rs2548505017, ClinGen allele CA392432333.
Genomic context (GRCh38, chr15:51,498,977, plus strand): 5'-GCAAGTAATGCATATAGTGGTAGTGGAGGGATAGAATCTATCTCAGTATAATCTCGAGTA[C>T]CATCTTTTCCTACGGTGACTGTTTCCTTTGCTGTACTGCCACTTACACTAATAGTTCGAG-3'
Protein context (NP_001365386.1, residues 1406-1426): AKETVTVGKD[Gly1416Asp]TRDYTEIDSI

ClinVar aggregate classification (germline): Uncertain significance. Review status: criteria provided, multiple submitters, no conflicts (2 of 4 stars). 2 submissions from 2 submitters: Uncertain significance (2). Last evaluated 2025-05-26.

Conditions:
Inborn genetic diseases. Identifiers: MedGen C0950123, MeSH D030342.

Allele frequency attached by ClinVar (database versions not stated): gnomAD exomes below 0.00001.
gnomAD v4.1: 2 of 1,613,986 alleles (0.00012%); highest among the groups gnomAD compares: African/African-American, 0.0013%; no homozygotes.

Submissions (2):

Ambry Genetics
Classification: Uncertain significance for Inborn genetic diseases. Last evaluated: 2025-05-26. Review status: criteria provided, single submitter. Criteria: Ambry Variant Classification Scheme 2023. Collection method: clinical testing. Allele origin: germline.

Labcorp Genetics (formerly Invitae), Labcorp
Classification: Uncertain significance. Last evaluated: 2022-09-27. Review status: criteria provided, single submitter. Criteria: Invitae Variant Classification Sherloc (09022015). Collection method: clinical testing. Allele origin: germline.
Comment: In summary, the available evidence is currently insufficient to determine the role of this variant in disease. Therefore, it has been classified as a Variant of Uncertain Significance. Algorithms developed to predict the effect of missense changes on protein structure and function are either unavailable or do not agree on the potential impact of this missense change (SIFT: "Tolerated"; PolyPhen-2: "Probably Damaging"; Align-GVGD: "Class C0"). This variant has not been reported in the literature in individuals affected with DMXL2-related conditions. This variant is not present in population databases (gnomAD no frequency). This sequence change replaces glycine, which is neutral and non-polar, with aspartic acid, which is acidic and polar, at codon 1416 of the DMXL2 protein (p.Gly1416Asp).